The following is an entry in ClinVar:

ClinVar aggregate classification (germline): Uncertain significance. Review status: criteria provided, multiple submitters, no conflicts (2 of 4 stars). 2 submissions from 2 submitters: Uncertain significance (2). Last evaluated 2023-05-31.

Conditions:
Antley-Bixler syndrome with genital anomalies and disordered steroidogenesis (ABS1). Also called: POR Deficiency. Identifiers: Orphanet 63269, MedGen C3150099, MONDO:0008726, OMIM 201750.
Antley-Bixler syndrome without genital anomalies or disordered steroidogenesis (ABS2). Also called: Trapezoidocephaly synostosis syndrome; Osteodysgenesis, multisynostotic with fractures; Antley-Bixler Syndrome, Autosomal Dominant; MULTISYNOSTOTIC OSTEODYSGENESIS WITH LONG BONE FRACTURES. Identifiers: Orphanet 596008, Orphanet 83, MedGen C2936791, MONDO:0020667, OMIM 207410.
Congenital adrenal hyperplasia due to cytochrome P450 oxidoreductase deficiency. Also called: DISORDERED STEROIDOGENESIS DUE TO POR DEFICIENCY. Identifiers: Orphanet 95699, MedGen C1860042, MONDO:0013310, OMIM 613571.

Allele frequency attached by ClinVar (database versions not stated): TOPMed below 0.00001; ExAC 0.00001; gnomAD 0.00003.
gnomAD v4.1: 40 of 1,610,058 alleles (0.0025%); highest among the groups gnomAD compares: South Asian, 0.024%; no homozygotes.

Submissions (2):

Department of Pathology and Laboratory Medicine, Sinai Health System
Classification: Uncertain significance for Antley-Bixler syndrome with genital anomalies and disordered steroidogenesis; Antley-Bixler syndrome without genital anomalies or disordered steroidogenesis; Congenital adrenal hyperplasia due to cytochrome P450 oxidoreductase deficiency. Last evaluated: 2023-05-31. Review status: criteria provided, single submitter. Criteria: ACMG Guidelines, 2015. Collection method: research. Allele origin: germline.

Labcorp Genetics (formerly Invitae), Labcorp
Classification: Uncertain significance for Congenital adrenal hyperplasia due to cytochrome P450 oxidoreductase deficiency. Last evaluated: 2022-10-04. Review status: criteria provided, single submitter. Criteria: Invitae Variant Classification Sherloc (09022015). Collection method: clinical testing. Allele origin: germline.
Comment: This sequence change replaces alanine, which is neutral and non-polar, with valine, which is neutral and non-polar, at codon 18 of the POR protein (p.Ala18Val). The frequency data for this variant in the population databases is considered unreliable, as metrics indicate poor data quality at this position in the gnomAD database. This variant has not been reported in the literature in individuals affected with POR-related conditions. Algorithms developed to predict the effect of missense changes on protein structure and function (SIFT, PolyPhen-2, Align-GVGD) all suggest that this variant is likely to be tolerated. In summary, the available evidence is currently insufficient to determine the role of this variant in disease. Therefore, it has been classified as a Variant of Uncertain Significance.

NM_001395413.1(POR):c.44C>T (p.Ala15Val)

Gene: POR (cytochrome p450 oxidoreductase; plus strand). Cytogenetic location: 7q11.23.
Variant type: single nucleotide variant.
Coding change: c.44C>T on transcript NM_001395413.1 (MANE Select); coding-DNA position 44, C replaced by T.
Protein change: p.Ala15Val; replaces alanine 15 with valine.
Molecular consequence: missense variant.
Genome position (GRCh38, 1-based): chr7:75,954,045, C>T. VCF-style: chr7-75954045-C-T. GRCh37 (hg19) VCF-style: chr7-75583363-C-T.
Other names: c.53C>T, p.Ala18Val (NM_000941.2, NM_000941.3); c.44C>T, p.Ala15Val (NM_001367562.3, NM_001382655.3, NM_001382657.2 and 3 more transcripts); c.53C>T (NM_001382655.1); short protein forms A18V, A15V.
Identifiers: ClinVar variation 1900170 (VCV001900170.3), dbSNP rs782214390, ClinGen allele CA4303440.
Genomic context (GRCh38, chr7:75,954,045, plus strand): 5'-ACAGTTTCATGATCAACATGGGAGACTCCCACGTGGACACCAGCTCCACCGTGTCCGAGG[C>T]GGTGGCCGAAGAAGTATCTCTTTTCAGCATGACGGACATGATTCTGTTTTCGCTCATCGT-3'
Protein context (NP_001382342.1, residues 5-25): HVDTSSTVSE[Ala15Val]VAEEVSLFSM